The following is an entry in ClinVar:

NM_001382430.1(AKT1):c.341A>G (p.Glu114Gly)

Gene: AKT1 (AKT serine/threonine kinase 1; minus strand). Cytogenetic location: 14q32.33.
Variant type: single nucleotide variant.
Coding change: c.341A>G on transcript NM_001382430.1 (MANE Select); coding-DNA position 341, A replaced by G.
Protein change: p.Glu114Gly; replaces glutamic acid 114 with glycine.
Molecular consequence: missense variant.
Genome position (GRCh38, 1-based): chr14:104,775,746, T>C on the plus strand (A>G on the coding strand, the complement: AKT1 is on the minus strand). VCF-style: chr14-104775746-T-C. GRCh37 (hg19) VCF-style: chr14-105242083-T-C.
Other names: c.341A>G, p.Glu114Gly (NM_001014431.2, NM_001014432.2, NM_001382431.1 and 3 more transcripts); short protein forms E114G.
Identifiers: ClinVar variation 5034463 (VCV005034463.1).

ClinVar aggregate classification (germline): Uncertain significance (1 of 4 stars; one submission).

Conditions:
Inborn genetic diseases. Identifiers: MedGen C0950123, MeSH D030342.

Submission:

Ambry Genetics
Classification: Uncertain significance for Inborn genetic diseases. Last evaluated: 2026-08-29. Review status: criteria provided, single submitter. Criteria: Ambry Variant Classification Scheme 2023. Collection method: clinical testing. Allele origin: germline.
Comment: The p.E114G variant (also known as c.341A>G), located in coding exon 4 of the AKT1 gene, results from an A to G substitution at nucleotide position 341. The glutamic acid at codon 114 is replaced by glycine, an amino acid with similar properties. This amino acid position is conserved. In addition, this alteration is predicted to be tolerated by in silico analysis. Based on the available evidence, the clinical significance of this variant remains unclear.